The following is an entry in ClinVar:

ClinVar aggregate classification (germline): Uncertain significance (1 of 4 stars; one submission).

Submission:

Labcorp Genetics (formerly Invitae), Labcorp
Classification: Uncertain significance. Last evaluated: 2024-06-17. Review status: criteria provided, single submitter. Criteria: Invitae Variant Classification Sherloc (09022015). Collection method: clinical testing. Allele origin: germline.
Comment: This sequence change replaces glycine, which is neutral and non-polar, with serine, which is neutral and polar, at codon 169 of the NKX2-1 protein (p.Gly169Ser). This variant is not present in population databases (gnomAD no frequency). This variant has not been reported in the literature in individuals affected with NKX2-1-related conditions. Algorithms developed to predict the effect of missense changes on protein structure and function output the following: SIFT: "Not Available"; PolyPhen-2: "Benign"; Align-GVGD: "Not Available". The serine amino acid residue is found in multiple mammalian species, which suggests that this missense change does not adversely affect protein function. In summary, the available evidence is currently insufficient to determine the role of this variant in disease. Therefore, it has been classified as a Variant of Uncertain Significance.

NM_001079668.3(NKX2-1):c.505G>A (p.Gly169Ser)

Genes: NKX2-1 (NK2 homeobox 1; minus strand), SFTA3 (surfactant associated 3; minus strand). Cytogenetic location: 14q13.3.
Variant type: single nucleotide variant.
Coding change: c.505G>A on transcript NM_001079668.3 (MANE Select); coding-DNA position 505, G replaced by A.
Protein change: p.Gly169Ser; replaces glycine 169 with serine.
Molecular consequence: missense variant.
Genome position (GRCh38, 1-based): chr14:36,517,979, C>T on the plus strand (G>A on the coding strand, the complement: NKX2-1 is on the minus strand). VCF-style: chr14-36517979-C-T. GRCh37 (hg19) VCF-style: chr14-36987184-C-T.
Other names: c.415G>A, p.Gly139Ser (NM_003317.4); short protein forms G139S, G169S.
Identifiers: ClinVar variation 2896974 (VCV002896974.3), dbSNP rs765977828, ClinGen allele CA389459656.